The following is an entry in ClinVar:

ClinVar aggregate classification (germline): Likely benign (0 of 4 stars; one submission).

Conditions:
PCSK1-related disorder. Also called: PCSK1-related condition.

Allele frequency attached by ClinVar (database versions not stated): gnomAD exomes below 0.00001.
gnomAD v4.1: 6 of 1,613,556 alleles (0.00037%); highest among the groups gnomAD compares: Admixed American, 0.0017%; no homozygotes.

Submission:

PreventionGenetics, part of Exact Sciences
Classification: Likely benign for PCSK1-related condition. Last evaluated: 2022-02-24. Review status: no assertion criteria provided. Collection method: clinical testing. Allele origin: germline.
Comment: This variant is classified as likely benign based on ACMG/AMP sequence variant interpretation guidelines (Richards et al. 2015 PMID: 25741868, with internal and published modifications).

NM_000439.5(PCSK1):c.498G>A (p.Leu166=)

Genes: PCSK1 (proprotein convertase subtilisin/kexin type 1; minus strand), CAST (calpastatin; plus strand), LOC101929710 (uncharacterized LOC101929710; plus strand). Cytogenetic location: 5q15.
Variant type: single nucleotide variant.
Coding change: c.498G>A on transcript NM_000439.5 (MANE Select); coding-DNA position 498, G replaced by A.
Protein change: p.Leu166=; no amino-acid change (leucine 166 retained).
Molecular consequence: synonymous variant. On other transcripts: intron variant (11).
Genome position (GRCh38, 1-based): chr5:96,423,358, C>T on the plus strand (G>A on the coding strand, the complement: PCSK1 is on the minus strand). VCF-style: chr5-96423358-C-T. GRCh37 (hg19) VCF-style: chr5-95759062-C-T.
Other names: c.357G>A, p.Leu119= (NM_001177875.2); c.-175+43706C>T (NM_001423254.1, NM_001423259.1, NM_001423255.1 and 6 more transcripts); c.-103+43706C>T (NM_001423253.1); c.-40+43706C>T (NM_001423258.1).
Identifiers: ClinVar variation 3030057 (VCV003030057.2), dbSNP rs1244028613, ClinGen allele CA445498610.